The following is an entry in ClinVar:

NM_005529.7(HSPG2):c.7235G>A (p.Ser2412Asn)

Gene: HSPG2 (heparan sulfate proteoglycan 2; minus strand). Cytogenetic location: 1p36.12.
Variant type: single nucleotide variant.
Coding change: c.7235G>A on transcript NM_005529.7 (MANE Select); coding-DNA position 7235, G replaced by A.
Protein change: p.Ser2412Asn; replaces serine 2412 with asparagine.
Molecular consequence: missense variant.
Genome position (GRCh38, 1-based): chr1:21,850,422, C>T on the plus strand (G>A on the coding strand, the complement: HSPG2 is on the minus strand). VCF-style: chr1-21850422-C-T. GRCh37 (hg19) VCF-style: chr1-22176915-C-T.
Other names: c.7238G>A, p.Ser2413Asn (NM_001291860.2); short protein forms S2412N, S2413N.
Identifiers: ClinVar variation 290055 (VCV000290055.59), dbSNP rs146309392, ClinGen allele CA671265.

ClinVar aggregate classification (germline): Conflicting classifications of pathogenicity. Review status: criteria provided, conflicting classifications (1 of 4 stars). 12 submissions from 11 submitters: Uncertain significance (6); Likely benign (5). 1 of the submissions does not count toward it. Last evaluated 2026-01-01.

Conditions:
Schwartz-Jampel syndrome. Also called: Myotonic myopathy dwarfism chondrodystrophy and ocular and facial abnormalities. Identifiers: Orphanet 800, MedGen C0036391, MONDO:0009717.
Lethal Kniest-like syndrome (DDSH). Also called: Dyssegmental Dysplasia. Identifiers: Orphanet 1865, MedGen C1857100, MONDO:0009140, OMIM 224410.

Allele frequency attached by ClinVar (database versions not stated): 1000 Genomes Project 0.00020; 1000 Genomes Project 30x 0.00031; ESP Exome Variant Server 0.00054; gnomAD 0.00066 and 0.00072; TOPMed 0.00078; ExAC 0.00079; gnomAD exomes 0.00084 and 0.00123.
gnomAD v4.1: 1,907 of 1,612,062 alleles (0.12%); highest among the groups gnomAD compares: Non-Finnish European, 0.15%; 4 homozygotes.

Submissions (12):

CeGaT Center for Human Genetics Tuebingen
Classification: Likely benign. Last evaluated: 2026-01-01. Review status: criteria provided, single submitter. Criteria: CeGaT Center For Human Genetics Tuebingen Variant Classification Criteria Version 2. Collection method: clinical testing. Allele origin: germline. Affected: yes. Observed: 5 variant alleles.
Comment: HSPG2: BP4, BS2

Labcorp Genetics (formerly Invitae), Labcorp
Classification: Likely benign. Last evaluated: 2025-11-05. Review status: criteria provided, single submitter. Criteria: Invitae Variant Classification Sherloc (09022015). Collection method: clinical testing. Allele origin: germline.

Blueprint Genetics
Classification: Likely benign. Last evaluated: 2024-11-26. Review status: criteria provided, single submitter. Criteria: ACMG Guidelines, 2015. Collection method: clinical testing. Allele origin: germline.

Athena Diagnostics
Classification: Likely benign. Last evaluated: 2023-10-12. Review status: criteria provided, single submitter. Criteria: Athena Diagnostics Criteria. Collection method: clinical testing. Allele origin: unknown.

GeneDx
Classification: Likely benign. Last evaluated: 2021-06-12. Review status: criteria provided, single submitter. Criteria: GeneDx Variant Classification Process June 2021. Collection method: clinical testing. Allele origin: germline. Affected: yes.

ARUP Laboratories, Molecular Genetics and Genomics, ARUP Laboratories
Classification: Uncertain significance. Last evaluated: 2020-01-27. Review status: criteria provided, single submitter. Criteria: ARUP Molecular Germline Variant Investigation Process. Collection method: clinical testing. Allele origin: germline.
Comment: The HSPG2 c.7235G>A; p.Ser2412Asn variant (rs146309392), to our knowledge, is not reported in the medical literature but is reported in ClinVar (Variation ID: 290055). This variant is found in the general population with an overall allele frequency of 0.08% (230/276708 alleles, including one homozygote) in the Genome Aggregation Database. The serine at codon 2412 is weakly conserved, and computational analyses (SIFT, PolyPhen-2) predict that this variant is tolerated. However, due to limited information, the clinical significance of the p.Ser2412Asn variant is uncertain at this time.

Revvity Omics, Revvity
Classification: Uncertain significance. Last evaluated: 2019-11-14. Review status: criteria provided, single submitter. Criteria: ACMG Guidelines, 2015. Collection method: clinical testing. Allele origin: germline.

Fulgent Genetics
Classification: Uncertain significance for Lethal Kniest-like syndrome; Schwartz-Jampel syndrome type 1. Last evaluated: 2018-10-31. Review status: criteria provided, single submitter. Criteria: ACMG Guidelines, 2015. Collection method: clinical testing. Allele origin: unknown.

Illumina Laboratory Services, Illumina
Classification: Uncertain significance for Lethal Kniest-like syndrome. Last evaluated: 2018-01-13. Review status: criteria provided, single submitter. Criteria: ICSL Variant Classification Criteria 13 December 2019. Collection method: clinical testing. Allele origin: germline.

Illumina Laboratory Services, Illumina
Classification: Uncertain significance for Schwartz-Jampel syndrome type 1. Last evaluated: 2018-01-13. Review status: criteria provided, single submitter. Criteria: ICSL Variant Classification Criteria 13 December 2019. Collection method: clinical testing. Allele origin: germline.

Eurofins Ntd Llc (ga)
Classification: Uncertain significance. Last evaluated: 2016-08-31. Review status: criteria provided, single submitter. Criteria: EGL Classification Definitions 2015. Collection method: clinical testing. Allele origin: germline. Observed: 1 variant allele, 1 heterozygote.

Department of Pathology and Laboratory Medicine, Sinai Health System
Classification: Likely benign. Review status: no assertion criteria provided. Collection method: clinical testing. Allele origin: unknown. Affected: yes. Study: The Canadian Open Genetics Repository (COGR). Not counted in ClinVar's aggregate classification.
Comment: The HSPG2 p.Ser2413Asn variant was not identified in the literature but was identified in dbSNP (ID: rs146309392), ClinVar (classified as uncertain significance by Illumina, Athena Diagnostics, EGL Clinical Diagnostics, and Fulgent Genetics), and LOVD 3.0 (variant effect not shared). The variant was identified in control databases in 230 of 276708 chromosomes (1 homozygous) at a frequency of 0.0008312 increasing the likelihood this could be a low frequency benign variant (Genome Aggregation Database March 6, 2019, v2.1.1). The variant was observed in the following populations: Other in 13 of 7082 chromosomes (freq: 0.001836), European (non-Finnish) in 181 of 125930 chromosomes (freq: 0.001437), Latino in 18 of 35024 chromosomes (freq: 0.000514), South Asian in 12 of 30202 chromosomes (freq: 0.000397) and African in 6 of 24384 chromosomes (freq: 0.000246), but was not observed in the Ashkenazi Jewish, East Asian, or European (Finnish) populations. This frequency is greater than expected for the rare autosomal recessive Schwartz-Jampel syndrome condition and neonatal lethal Silverman-Handmaker dyssegmental dysplasia. The p.Ser2413 residue is not conserved in mammals and computational analyses (PolyPhen-2, SIFT, AlignGVGD, BLOSUM, MutationTaster) do not suggest a high likelihood of impact to the protein; however, this information is not predictive enough to rule out pathogenicity. The variant occurs outside of the splicing consensus sequence and 1 of 4 in silico or computational prediction software programs (SpliceSiteFinder, MaxEntScan, NNSPLICE, GeneSplicer) predict a greater than 10% difference in splicing; this is not very predictive of pathogenicity. In summary, based on the above information the clinical significance of this variant cannot be determined with certainty at this time although we would lean towards a more benign role for this variant. This variant is classified as likely benign.